The following is an entry in ClinVar:

ClinVar aggregate classification (germline): Uncertain significance (1 of 4 stars; one submission).

Allele frequency attached by ClinVar (database versions not stated): ExAC 0.00002.
gnomAD v4.1: 8 of 1,613,856 alleles (0.0005%); highest among the groups gnomAD compares: South Asian, 0.0044%; no homozygotes.

Submission:

Labcorp Genetics (formerly Invitae), Labcorp
Classification: Uncertain significance. Last evaluated: 2023-11-25. Review status: criteria provided, single submitter. Criteria: Invitae Variant Classification Sherloc (09022015). Collection method: clinical testing. Allele origin: germline.
Comment: This sequence change replaces arginine, which is basic and polar, with cysteine, which is neutral and slightly polar, at codon 1043 of the MAGEL2 protein (p.Arg1043Cys). This variant is present in population databases (rs772582222, gnomAD 0.007%). This variant has not been reported in the literature in individuals affected with MAGEL2-related conditions. Advanced modeling of protein sequence and biophysical properties (such as structural, functional, and spatial information, amino acid conservation, physicochemical variation, residue mobility, and thermodynamic stability) performed at Invitae indicates that this missense variant is not expected to disrupt MAGEL2 protein function with a negative predictive value of 80%. In summary, the available evidence is currently insufficient to determine the role of this variant in disease. Therefore, it has been classified as a Variant of Uncertain Significance.

NM_019066.5(MAGEL2):c.3127C>T (p.Arg1043Cys)

Gene: MAGEL2 (MAGE family member L2; minus strand). Cytogenetic location: 15q11.2.
Variant type: single nucleotide variant.
Coding change: c.3127C>T on transcript NM_019066.5 (MANE Select); coding-DNA position 3127, C replaced by T.
Protein change: p.Arg1043Cys; replaces arginine 1043 with cysteine.
Molecular consequence: missense variant.
Genome position (GRCh38, 1-based): chr15:23,644,616, G>A on the plus strand (C>T on the coding strand, the complement: MAGEL2 is on the minus strand). VCF-style: chr15-23644616-G-A. GRCh37 (hg19) VCF-style: chr15-23889763-G-A.
Other names: short protein forms R1043C.
Identifiers: ClinVar variation 2714841 (VCV002714841.3), dbSNP rs772582222, ClinGen allele CA7429742.